The following is an entry in ClinVar:

NM_000264.5(PTCH1):c.3965C>G (p.Ala1322Gly)

Gene: PTCH1 (patched 1; minus strand). Cytogenetic location: 9q22.32.
Variant type: single nucleotide variant.
Coding change: c.3965C>G on transcript NM_000264.5 (MANE Select); coding-DNA position 3965, C replaced by G.
Protein change: p.Ala1322Gly; replaces alanine 1322 with glycine.
Molecular consequence: missense variant. On other transcripts: non-coding transcript variant (1).
Genome position (GRCh38, 1-based): chr9:95,447,291, G>C on the plus strand (C>G on the coding strand, the complement: PTCH1 is on the minus strand). VCF-style: chr9-95447291-G-C. GRCh37 (hg19) VCF-style: chr9-98209573-G-C.
Other names: c.3965C>G (NM_000264.3); c.3767C>G, p.Ala1256Gly (NM_001083602.3); c.3962C>G, p.Ala1321Gly (NM_001083603.3); c.3512C>G, p.Ala1171Gly (NM_001083604.3, NM_001083605.3, NM_001083606.3 and 1 more transcripts); c.3809C>G, p.Ala1270Gly (NM_001354918.2); short protein forms A1171G, A1256G, A1270G, A1321G, A1322G.
Identifiers: ClinVar variation 1063965 (VCV001063965.10), dbSNP rs1054532927, ClinGen allele CA374110577.

ClinVar aggregate classification (germline): Uncertain significance. Review status: criteria provided, multiple submitters, no conflicts (2 of 4 stars). 2 submissions from 2 submitters: Uncertain significance (2). Last evaluated 2025-12-20.

Conditions:
Hereditary cancer-predisposing syndrome. Also called: Tumor predisposition; Neoplastic Syndromes, Hereditary; Hereditary Cancer Syndrome; Hereditary neoplastic syndrome. Identifiers: Orphanet 140162, MedGen C0027672, MeSH D009386, MONDO:0015356.
Gorlin syndrome. Also called: Basal cell nevus syndrome; Nevoid Basal Cell Carcinoma Syndrome. Identifiers: Orphanet 377, MedGen C0004779, MONDO:0007187.

Allele frequency attached by ClinVar (database versions not stated): gnomAD 0.00002.
gnomAD v4.1: 4 of 1,612,950 alleles (0.00025%); highest among the groups gnomAD compares: African/African-American, 0.0053%; no homozygotes.

Submissions (2):

Labcorp Genetics (formerly Invitae), Labcorp
Classification: Uncertain significance for Gorlin syndrome. Last evaluated: 2025-12-20. Review status: criteria provided, single submitter. Criteria: Invitae Variant Classification Sherloc (09022015). Collection method: clinical testing. Allele origin: germline.
Comment: This sequence change replaces alanine, which is neutral and non-polar, with glycine, which is neutral and non-polar, at codon 1322 of the PTCH1 protein (p.Ala1322Gly). This variant is not present in population databases (gnomAD no frequency). This variant has not been reported in the literature in individuals affected with PTCH1-related conditions. ClinVar contains an entry for this variant (Variation ID: 1063965). Invitae Evidence Modeling of protein sequence and biophysical properties (such as structural, functional, and spatial information, amino acid conservation, physicochemical variation, residue mobility, and thermodynamic stability) indicates that this missense variant is not expected to disrupt PTCH1 protein function with a negative predictive value of 95%. In summary, the available evidence is currently insufficient to determine the role of this variant in disease. Therefore, it has been classified as a Variant of Uncertain Significance.

Ambry Genetics
Classification: Uncertain significance for Hereditary cancer-predisposing syndrome. Last evaluated: 2023-12-23. Review status: criteria provided, single submitter. Criteria: Ambry Variant Classification Scheme 2023. Collection method: clinical testing. Allele origin: germline.
Comment: The p.A1322G variant (also known as c.3965C>G), located in coding exon 23 of the PTCH1 gene, results from a C to G substitution at nucleotide position 3965. The alanine at codon 1322 is replaced by glycine, an amino acid with similar properties. This amino acid position is conserved. In addition, this alteration is predicted to be deleterious by in silico analysis. Since supporting evidence is limited at this time, the clinical significance of this alteration remains unclear.